The following is an entry in ClinVar:

ClinVar aggregate classification (germline): Uncertain significance (1 of 4 stars; one submission).

Conditions:
Hereditary breast ovarian cancer syndrome. Also called: Hereditary breast and/or ovarian cancer syndrome; Hereditary breast and ovarian cancer syndrome (HBOC); Breast and ovarian cancer; Hereditary breast and ovarian cancer; Hereditary breast and ovarian cancer syndrome; BRCA1- and BRCA2-Associated Hereditary Breast and Ovarian Cancer. Identifiers: Orphanet 145, MedGen C0677776, MeSH D061325, MONDO:0003582. Disease mechanism: loss of function.

Submission:

Labcorp Genetics (formerly Invitae), Labcorp
Classification: Uncertain significance for Hereditary breast ovarian cancer syndrome. Last evaluated: 2021-08-07. Review status: criteria provided, single submitter. Criteria: Invitae Variant Classification Sherloc (09022015). Collection method: clinical testing. Allele origin: germline.
Comment: In summary, the available evidence is currently insufficient to determine the role of this variant in disease. Therefore, it has been classified as a Variant of Uncertain Significance. Advanced modeling of protein sequence and biophysical properties (such as structural, functional, and spatial information, amino acid conservation, physicochemical variation, residue mobility, and thermodynamic stability) performed at Invitae indicates that this missense variant is not expected to disrupt BRCA2 protein function. This variant has not been reported in the literature in individuals with BRCA2-related conditions. This variant is not present in population databases (ExAC no frequency). This sequence change replaces valine with alanine at codon 160 of the BRCA2 protein (p.Val160Ala). The valine residue is moderately conserved and there is a small physicochemical difference between valine and alanine.

NM_000059.4(BRCA2):c.479T>C (p.Val160Ala)

Gene: BRCA2 (BRCA2 DNA repair associated; plus strand). Cytogenetic location: 13q13.1.
Variant type: single nucleotide variant.
Coding change: c.479T>C on transcript NM_000059.4 (MANE Select); coding-DNA position 479, T replaced by C.
Protein change: p.Val160Ala; replaces valine 160 with alanine.
Molecular consequence: missense variant.
Genome position (GRCh38, 1-based): chr13:32,326,245, T>C. VCF-style: chr13-32326245-T-C. GRCh37 (hg19) VCF-style: chr13-32900382-T-C.
Other names: short protein forms V160A.
Identifiers: ClinVar variation 1483833 (VCV001483833.8), dbSNP rs2137450288, ClinGen allele CA387757617.
Genomic context (GRCh38, chr13:32,326,245, plus strand): 5'-TACTAGAAATGTTAATAAAAATAAAACTTAACAATTTTCCCCTTTTTTTACCCCCAGTGG[T>C]ATGTGGGAGTTTGTTTCATACACCAAAGTTTGTGAAGGTAAATATTCTACCTGGTTTATT-3'
Protein context (NP_000050.3, residues 150-170): HVTPQRDKSV[Val160Ala]CGSLFHTPKF